The following is an entry in ClinVar:

GRCh38/hg38 10p12.1(chr10:25484473-26963308)x3

Genes: ABI1 (abl interactor 1; minus strand), ANKRD26 (ankyrin repeat domain containing 26; minus strand), APBB1IP (amyloid beta precursor protein binding family B member 1 interacting protein; plus strand), FAM238A (family with sequence similarity 238 member A; plus strand), FAM238B (family with sequence similarity 238 member B; plus strand) and 35 more. Cytogenetic location: 10p12.1.
Variant type: copy number gain.
Change: copy number 3 (three copies instead of two) of chr10:25,484,473-26,963,308 (1.48 Mb, GRCh38 coordinates, 1-based), cytogenetic band 10p12.1.
Identifiers: ClinVar variation 59666 (VCV000059666.1).

ClinVar aggregate classification (germline): Pathogenic (1 of 4 stars; one submission).

Submission:

ISCA site 17
Classification: Pathogenic. Last evaluated: 2011-08-12. Review status: criteria provided, single submitter. Criteria: Kaminsky et al. (Genet Med. 2011). Collection method: clinical testing. Allele origin: unknown. Affected: yes. Observed: 1 variant allele.
Comment: Copy number variation identified through the course of routine clinical cytogenomic testing in postnatal populations. Clinical assertions have been curated as described in Kaminsky et al. 2011.